The following is an entry in ClinVar:

NM_014159.7(SETD2):c.2299A>G (p.Thr767Ala)

Gene: SETD2 (SET domain containing 2, histone lysine methyltransferase; minus strand). Cytogenetic location: 3p21.31.
Variant type: single nucleotide variant.
Coding change: c.2299A>G on transcript NM_014159.7 (MANE Select); coding-DNA position 2299, A replaced by G.
Protein change: p.Thr767Ala; replaces threonine 767 with alanine.
Molecular consequence: missense variant. On other transcripts: non-coding transcript variant (1).
Genome position (GRCh38, 1-based): chr3:47,122,337, T>C on the plus strand (A>G on the coding strand, the complement: SETD2 is on the minus strand). VCF-style: chr3-47122337-T-C. GRCh37 (hg19) VCF-style: chr3-47163827-T-C.
Other names: c.2167A>G, p.Thr723Ala (NM_001349370.3); short protein forms T767A, T723A.
Identifiers: ClinVar variation 475499 (VCV000475499.10), dbSNP rs564476604, ClinGen allele CA2363556.

ClinVar aggregate classification (germline): Conflicting classifications of pathogenicity. Review status: criteria provided, conflicting classifications (1 of 4 stars). 3 submissions from 3 submitters: Uncertain significance (2); Likely benign (1). Last evaluated 2026-07-01.

Conditions:
Luscan-Lumish syndrome. Identifiers: Orphanet 597738, MedGen C4085873, MONDO:0014791, OMIM 616831.

Allele frequency attached by ClinVar (database versions not stated): gnomAD exomes 0.00001 and 0.00002; ExAC 0.00002; gnomAD 0.00013; 1000 Genomes Project 30x 0.00016; 1000 Genomes Project 0.00020; TOPMed 0.00022.
gnomAD v4.1: 35 of 1,614,206 alleles (0.0022%); highest among the groups gnomAD compares: Admixed American, 0.048%; no homozygotes.

Submissions (3):

CeGaT Center for Human Genetics Tuebingen
Classification: Likely benign. Last evaluated: 2026-07-01. Review status: criteria provided, single submitter. Criteria: CeGaT Center For Human Genetics Tuebingen Variant Classification Criteria Version 2. Collection method: clinical testing. Allele origin: germline. Affected: yes. Observed: 1 variant allele.
Comment: SETD2: BP4

Women's Health and Genetics/Laboratory Corporation of America, LabCorp
Classification: Uncertain significance. Last evaluated: 2026-03-23. Review status: criteria provided, single submitter. Criteria: LabCorp Variant Classification Summary - May 2015. Collection method: clinical testing. Allele origin: germline.
Comment: Variant summary: SETD2 c.2299A>G (p.Thr767Ala) results in a non-conservative amino acid change in the encoded protein sequence. Algorithms developed to predict the effect of missense changes on protein structure and function are either unavailable or do not agree on the potential impact of this missense change. The variant allele was found at a frequency of 1.6e-05 in 251268 control chromosomes. The available data on variant occurrences in the general population are insufficient to allow any conclusion about variant significance. To our knowledge, no occurrence of c.2299A>G in individuals affected with SETD2-related conditions and no experimental evidence demonstrating its impact on protein function have been reported. ClinVar contains an entry for this variant (Variation ID: 475499). Based on the evidence outlined above, the variant was classified as uncertain significance.

Labcorp Genetics (formerly Invitae), Labcorp
Classification: Uncertain significance for Luscan-Lumish syndrome. Last evaluated: 2025-09-03. Review status: criteria provided, single submitter. Criteria: Invitae Variant Classification Sherloc (09022015). Collection method: clinical testing. Allele origin: germline.
Comment: This sequence change replaces threonine, which is neutral and polar, with alanine, which is neutral and non-polar, at codon 767 of the SETD2 protein (p.Thr767Ala). This variant is present in population databases (rs564476604, gnomAD 0.009%). This variant has not been reported in the literature in individuals affected with SETD2-related conditions. ClinVar contains an entry for this variant (Variation ID: 475499). Invitae Evidence Modeling of protein sequence and biophysical properties (such as structural, functional, and spatial information, amino acid conservation, physicochemical variation, residue mobility, and thermodynamic stability) indicates that this missense variant is not expected to disrupt SETD2 protein function with a negative predictive value of 80%. In summary, the available evidence is currently insufficient to determine the role of this variant in disease. Therefore, it has been classified as a Variant of Uncertain Significance.